The following is an entry in ClinVar:

ClinVar aggregate classification (germline): Uncertain significance (1 of 4 stars; one submission).

gnomAD v4.1: 170 of 1,594,418 alleles (0.011%); highest among the groups gnomAD compares: African/African-American, 0.027%; no homozygotes.

Submission:

Women's Health and Genetics/Laboratory Corporation of America, LabCorp
Classification: Uncertain significance. Last evaluated: 2025-09-24. Review status: criteria provided, single submitter. Criteria: LabCorp Variant Classification Summary - May 2015. Collection method: clinical testing. Allele origin: germline.
Comment: Variant summary: PTPN14 c.1685A>C (p.Tyr562Ser) results in a non-conservative amino acid change in the encoded protein sequence. Algorithms developed to predict the effect of missense changes on protein structure and function are either unavailable or do not agree on the potential impact of this missense change. The variant allele was found at a frequency of 6.3e-05 in 238638 control chromosomes. This frequency is not significantly higher than estimated for disease-causing variants in PTPN14, allowing no conclusion about variant significance. To our knowledge, no occurrence of c.1685A>C in individuals affected with PTPN14-related conditions and no experimental evidence demonstrating its impact on protein function have been reported. No submitters have cited clinical-significance assessments for this variant to ClinVar. Based on the evidence outlined above, the variant was classified as uncertain significance.

NM_005401.5(PTPN14):c.1685A>C (p.Tyr562Ser)

Gene: PTPN14 (protein tyrosine phosphatase non-receptor type 14; minus strand). Cytogenetic location: 1q32.3.
Variant type: single nucleotide variant.
Coding change: c.1685A>C on transcript NM_005401.5 (MANE Select); coding-DNA position 1685, A replaced by C.
Protein change: p.Tyr562Ser; replaces tyrosine 562 with serine.
Molecular consequence: missense variant.
Genome position (GRCh38, 1-based): chr1:214,384,170, T>G on the plus strand (A>C on the coding strand, the complement: PTPN14 is on the minus strand). VCF-style: chr1-214384170-T-G. GRCh37 (hg19) VCF-style: chr1-214557513-T-G.
Other names: short protein forms Y562S.
Identifiers: ClinVar variation 4535978 (VCV004535978.1).